The following is an entry in ClinVar:

NM_001365951.3(KIF1B):c.4750A>G (p.Lys1584Glu)

Gene: KIF1B (kinesin family member 1B; plus strand). Cytogenetic location: 1p36.22.
Variant type: single nucleotide variant.
Coding change: c.4750A>G on transcript NM_001365951.3 (MANE Select); coding-DNA position 4750, A replaced by G.
Protein change: p.Lys1584Glu; replaces lysine 1584 with glutamic acid.
Molecular consequence: missense variant.
Genome position (GRCh38, 1-based): chr1:10,365,646, A>G. VCF-style: chr1-10365646-A-G. GRCh37 (hg19) VCF-style: chr1-10425704-A-G.
Other names: c.4750A>G, p.Lys1584Glu (NM_001365952.1); c.4612A>G, p.Lys1538Glu (NM_015074.3); short protein forms K1584E, K1538E.
Identifiers: ClinVar variation 2625712 (VCV002625712.2), dbSNP rs2521916365, ClinGen allele CA338322540.

ClinVar aggregate classification (germline): Uncertain significance (1 of 4 stars; one submission).

Submission:

Ambry Genetics
Classification: Uncertain significance. Last evaluated: 2023-07-26. Review status: criteria provided, single submitter. Criteria: Ambry Variant Classification Scheme 2023. Collection method: clinical testing. Allele origin: germline.
Comment: The p.K1538E variant (also known as c.4612A>G), located in coding exon 40 of the KIF1B gene, results from an A to G substitution at nucleotide position 4612. The lysine at codon 1538 is replaced by glutamic acid, an amino acid with similar properties. This amino acid position is conserved. In addition, the in silico prediction for this alteration is inconclusive. Since supporting evidence is limited at this time, the clinical significance of this alteration remains unclear.